The following is an entry in ClinVar:

ClinVar aggregate classification (germline): Benign (1 of 4 stars; one submission).

Conditions:
Colorectal cancer, hereditary nonpolyposis, type 7. Identifiers: Orphanet 144, MedGen C1858380, MONDO:0013725, OMIM 614385.

Submission:

Myriad Genetics, Inc.
Classification: Benign for Colorectal cancer, hereditary nonpolyposis, type 7. Last evaluated: 2026-05-04. Review status: criteria provided, single submitter. Criteria: Myriad Autosomal Dominant, Autosomal Recessive and X-Linked Classification Criteria (2023). Collection method: clinical testing. Allele origin: unknown.
Comment: This variant is considered benign. This variant is a silent/synonymous amino acid change and it is not expected to impact splicing.

NM_001040108.2(MLH3):c.2208C>T (p.Phe736=)

Gene: MLH3 (mutL homolog 3; minus strand). Cytogenetic location: 14q24.3.
Variant type: single nucleotide variant.
Coding change: c.2208C>T on transcript NM_001040108.2 (MANE Select); coding-DNA position 2208, C replaced by T.
Protein change: p.Phe736=; no amino-acid change (phenylalanine 736 retained).
Molecular consequence: synonymous variant.
Genome position (GRCh38, 1-based): chr14:75,047,448, G>A on the plus strand (C>T on the coding strand, the complement: MLH3 is on the minus strand). VCF-style: chr14-75047448-G-A. GRCh37 (hg19) VCF-style: chr14-75514151-G-A.
Other names: c.2208C>T, p.Phe736= (NM_014381.3).
Identifiers: ClinVar variation 4875878 (VCV004875878.1).